The following is an entry in ClinVar:

NM_001903.5(CTNNA1):c.585A>T (p.Gln195His)

Gene: CTNNA1 (catenin alpha 1; plus strand). Cytogenetic location: 5q31.2.
Variant type: single nucleotide variant.
Coding change: c.585A>T on transcript NM_001903.5 (MANE Select); coding-DNA position 585, A replaced by T.
Protein change: p.Gln195His; replaces glutamine 195 with histidine.
Molecular consequence: missense variant.
Genome position (GRCh38, 1-based): chr5:138,812,299, A>T. VCF-style: chr5-138812299-A-T. GRCh37 (hg19) VCF-style: chr5-138147988-A-T.
Other names: c.585A>T, p.Gln195His (NM_001290307.3, NM_001323984.2, NM_001323985.2 and 3 more transcripts); c.216A>T, p.Gln72His (NM_001290310.3); c.276A>T, p.Gln92His (NM_001290309.3); short protein forms Q92H, Q72H, Q195H.
Identifiers: ClinVar variation 3270100 (VCV003270100.1).
Genomic context (GRCh38, chr5:138,812,299, plus strand): 5'-CCAGTATAAAGCCCTAAAACCTGAAGTGGATAAGCTGAACATTATGGCAGCCAAAAGACA[A>T]CAGGTACAGTCATGATTTGGGGATATATTAAAGTTGTTCATTTTACTATCTAGAGGGAAA-3'
Protein context (NP_001894.2, residues 185-205): DKLNIMAAKR[Gln195His]QELKDVGHRD

ClinVar aggregate classification (germline): Uncertain significance (1 of 4 stars; one submission).

Conditions:
Hereditary cancer-predisposing syndrome. Also called: Tumor predisposition; Hereditary Cancer Syndrome; Hereditary neoplastic syndrome; Neoplastic Syndromes, Hereditary. Identifiers: Orphanet 140162, MedGen C0027672, MeSH D009386, MONDO:0015356.

Submission:

Ambry Genetics
Classification: Uncertain significance for Hereditary cancer-predisposing syndrome. Last evaluated: 2024-05-02. Review status: criteria provided, single submitter. Criteria: Ambry Variant Classification Scheme 2023. Collection method: clinical testing. Allele origin: germline.
Comment: The p.Q195H variant (also known as c.585A>T), located in coding exon 4 of the CTNNA1 gene, results from an A to T substitution at nucleotide position 585. The glutamine at codon 195 is replaced by histidine, an amino acid with highly similar properties. This amino acid position is conserved. In addition, the in silico prediction for this alteration is inconclusive. Based on the available evidence, the clinical significance of this variant remains unclear.